The following is an entry in ClinVar:

NM_005554.4(KRT6A):c.512A>G (p.Asn171Ser)

Gene: KRT6A (keratin 6A; minus strand). Cytogenetic location: 12q13.13.
Variant type: single nucleotide variant.
Coding change: c.512A>G on transcript NM_005554.4 (MANE Select); coding-DNA position 512, A replaced by G.
Protein change: p.Asn171Ser; replaces asparagine 171 with serine.
Molecular consequence: missense variant.
Genome position (GRCh38, 1-based): chr12:52,492,677, T>C on the plus strand (A>G on the coding strand, the complement: KRT6A is on the minus strand). VCF-style: chr12-52492677-T-C. GRCh37 (hg19) VCF-style: chr12-52886461-T-C.
Other names: short protein forms N171S.
Identifiers: ClinVar variation 66588 (VCV000066588.5), dbSNP rs58556099, ClinGen allele CA217355.

ClinVar aggregate classification (germline): Pathogenic. Review status: criteria provided, multiple submitters, no conflicts (2 of 4 stars). 5 submissions from 5 submitters: Pathogenic (2). 3 of the submissions do not count toward it. Last evaluated 2021-08-23.

Conditions:
Pachyonychia congenita 3 (PC3). Also called: KRT6A-Related Pachyonychia Congenita; PC-K6a. Identifiers: Orphanet 2309, MedGen C3714948, MONDO:0014324, OMIM 615726.

Submissions (5):

Fulgent Genetics
Classification: Pathogenic for Pachyonychia congenita 3. Last evaluated: 2021-08-23. Review status: criteria provided, single submitter. Criteria: ACMG Guidelines, 2015. Collection method: clinical testing. Allele origin: unknown.

GeneDx
Classification: Pathogenic. Last evaluated: 2015-12-11. Review status: criteria provided, single submitter. Criteria: GeneDx Variant Classification (06012015). Collection method: clinical testing. Allele origin: germline. Affected: yes.
Comment: The N171S variant has been published previously in patients with pachyonychia congenita and as a sporadic finding in one patient with the disorder (Smith et al., 2005; Wilson et al., 2011; Liao et al., 2007). It was not observed in approximately 6,500 individuals of European and African American ancestry in the NHLBI Exome Sequencing Project, indicating it is not a common benign variant in these populations. N171S is a conservative amino acid substitution, which is not likely to impact secondary protein structure as these residues share similar properties. This substitution occurs at a position within the 1A domain that is conserved across species and in silico analysis predicts this variant is probably damaging to the protein structure/function. Pathogenic variants at the same codon (N171Y/D/T/K) and missense variants in nearby residues (Q166P, I167S/N, L170F, F174V/I/S/C, S176P) have been reported in the Human Gene Mutation Database in association with Pachyonychia Congenita (Stenson et al., 2014), supporting the functional importance of this region of the protein. As the KRT6A gene has a low rate of benign missense variation, with missense variants being a common mechanism of disease.

OMIM
Classification: Pathogenic for PACHYONYCHIA CONGENITA 3. Last evaluated: 2005-10-01. Review status: no assertion criteria provided. Collection method: literature only. Allele origin: germline. Not counted in ClinVar's aggregate classification.

Epithelial Biology;  Institute of Medical Biology, Singapore
No classification provided. Review status: no classification provided. Collection method: not provided. Allele origin: not provided. Not counted in ClinVar's aggregate classification.

GeneReviews
No classification provided. Condition: Pachyonychia congenita 3. Review status: no classification provided. Collection method: literature only. Allele origin: germline. Affected: yes. Not counted in ClinVar's aggregate classification.

Literature cited by the submitters: PubMed 16250206 (cited by OMIM); NCBI Bookshelf NBK1280 (cited by GeneReviews).